The following is an entry in ClinVar:

ClinVar aggregate classification (germline): Uncertain significance (1 of 4 stars; one submission).

Conditions:
Congenital myasthenic syndrome 5. Identifiers: Orphanet 590, MedGen C1864233, MONDO:0011281, OMIM 603034.

Submission:

Labcorp Genetics (formerly Invitae), Labcorp
Classification: Uncertain significance for Congenital myasthenic syndrome 5. Last evaluated: 2026-01-02. Review status: criteria provided, single submitter. Criteria: Invitae Variant Classification Sherloc (09022015). Collection method: clinical testing. Allele origin: germline.
Comment: This sequence change replaces threonine, which is neutral and polar, with asparagine, which is neutral and polar, at codon 333 of the COLQ protein (p.Thr333Asn). This variant is not present in population databases (gnomAD no frequency). This variant has not been reported in the literature in individuals affected with COLQ-related conditions. Invitae Evidence Modeling of protein sequence and biophysical properties (such as structural, functional, and spatial information, amino acid conservation, physicochemical variation, residue mobility, and thermodynamic stability) indicates that this missense variant is not expected to disrupt COLQ protein function with a negative predictive value of 80%. In summary, the available evidence is currently insufficient to determine the role of this variant in disease. Therefore, it has been classified as a Variant of Uncertain Significance.

NM_005677.4(COLQ):c.998C>A (p.Thr333Asn)

Gene: COLQ (collagen like tail subunit of asymmetric acetylcholinesterase; minus strand). Cytogenetic location: 3p25.1.
Variant type: single nucleotide variant.
Coding change: c.998C>A on transcript NM_005677.4 (MANE Select); coding-DNA position 998, C replaced by A.
Protein change: p.Thr333Asn; replaces threonine 333 with asparagine.
Molecular consequence: missense variant.
Genome position (GRCh38, 1-based): chr3:15,456,536, G>T on the plus strand (C>A on the coding strand, the complement: COLQ is on the minus strand). VCF-style: chr3-15456536-G-T. GRCh37 (hg19) VCF-style: chr3-15498043-G-T.
Other names: c.968C>A, p.Thr323Asn (NM_080538.2); c.896C>A, p.Thr299Asn (NM_080539.4); short protein forms T299N, T333N, T323N.
Identifiers: ClinVar variation 4740367 (VCV004740367.1).